The following is an entry in ClinVar:

ClinVar aggregate classification (germline): Uncertain significance (1 of 4 stars; one submission).

Conditions:
Inborn genetic diseases. Identifiers: MedGen C0950123, MeSH D030342.

Submission:

Ambry Genetics
Classification: Uncertain significance for Inborn genetic diseases. Last evaluated: 2025-12-29. Review status: criteria provided, single submitter. Criteria: Ambry Variant Classification Scheme 2023. Collection method: clinical testing. Allele origin: germline.
Comment: The p.T1194K variant (also known as c.3581C>A), located in coding exon 1 of the SAMD9L gene, results from a C to A substitution at nucleotide position 3581. The threonine at codon 1194 is replaced by lysine, an amino acid with similar properties. This amino acid position is conserved. In addition, the in silico prediction for this alteration is inconclusive. Based on the available evidence, the clinical significance of this variant remains unclear.

NM_152703.5(SAMD9L):c.3581C>A (p.Thr1194Lys)

Gene: SAMD9L (sterile alpha motif domain containing 9 like; minus strand). Cytogenetic location: 7q21.2.
Variant type: single nucleotide variant.
Coding change: c.3581C>A on transcript NM_152703.5 (MANE Select); coding-DNA position 3581, C replaced by A.
Protein change: p.Thr1194Lys; replaces threonine 1194 with lysine.
Molecular consequence: missense variant.
Genome position (GRCh38, 1-based): chr7:93,132,391, G>T on the plus strand (C>A on the coding strand, the complement: SAMD9L is on the minus strand). VCF-style: chr7-93132391-G-T. GRCh37 (hg19) VCF-style: chr7-92761704-G-T.
Other names: c.3581C>A, p.Thr1194Lys (NM_001303496.3, NM_001303497.3, NM_001303498.3 and 5 more transcripts); short protein forms T1194K.
Identifiers: ClinVar variation 4842025 (VCV004842025.1).
Genomic context (GRCh38, chr7:93,132,391, plus strand): 5'-GTGAGCTGAAGAATCTGGATAGTGTAAAGACCAACTTCTATTTCACCCAAGAAACAAGCT[G>T]TGTTATACATGTCATATCGTCTCTGGGACTTCTGTGGTGACCAGTTCTCGGTTTCATAGT-3'
Protein context (NP_689916.2, residues 1184-1204): KSQRRYDMYN[Thr1194Lys]ACFLGEIEVG